The following is an entry in ClinVar:

ClinVar aggregate classification (germline): Uncertain significance (1 of 4 stars; one submission).

Submission:

GeneDx
Classification: Uncertain significance. Last evaluated: 2025-04-26. Review status: criteria provided, single submitter. Criteria: GeneDx Variant Classification Process June 2021. Collection method: clinical testing. Allele origin: germline. Affected: yes.
Comment: Not observed at significant frequency in large population cohorts (gnomAD); In silico analysis supports that this missense variant has a deleterious effect on protein structure/function; Has not been previously published as pathogenic or benign to our knowledge

NM_001458.5(FLNC):c.4633A>G (p.Ser1545Gly)

Gene: FLNC (filamin C; plus strand). Cytogenetic location: 7q32.1.
Variant type: single nucleotide variant.
Coding change: c.4633A>G on transcript NM_001458.5 (MANE Select); coding-DNA position 4633, A replaced by G.
Protein change: p.Ser1545Gly; replaces serine 1545 with glycine.
Molecular consequence: missense variant.
Genome position (GRCh38, 1-based): chr7:128,848,613, A>G. VCF-style: chr7-128848613-A-G. GRCh37 (hg19) VCF-style: chr7-128488667-A-G.
Other names: c.4633A>G, p.Ser1545Gly (NM_001127487.2); short protein forms S1545G.
Identifiers: ClinVar variation 4527672 (VCV004527672.1).